The following is an entry in ClinVar:

ClinVar aggregate classification (germline): Pathogenic. Review status: criteria provided, multiple submitters, no conflicts (2 of 4 stars). 3 submissions from 3 submitters: Pathogenic (2). 1 of the submissions does not count toward it. Last evaluated 2024-05-14.

Conditions:
Adenine phosphoribosyltransferase deficiency (APRTD). Also called: APRT DEFICIENCY; NEPHROLITHIASIS, DHA; Urolithiasis, dha; 2,8-dihydroxyadenine urolithiasis. Identifiers: Orphanet 976, MedGen C0268120, MONDO:0013869, OMIM 614723.

Allele frequency attached by ClinVar (database versions not stated): gnomAD 0.00001; gnomAD exomes 0.00001; TOPMed 0.00002.

Submissions (3):

Fulgent Genetics
Classification: Pathogenic for Adenine phosphoribosyltransferase deficiency. Last evaluated: 2024-05-14. Review status: criteria provided, single submitter. Criteria: ACMG Guidelines, 2015. Collection method: clinical testing. Allele origin: germline.

Labcorp Genetics (formerly Invitae), Labcorp
Classification: Pathogenic. Last evaluated: 2023-08-09. Review status: criteria provided, single submitter. Criteria: Invitae Variant Classification Sherloc (09022015). Collection method: clinical testing. Allele origin: germline.
Comment: Experimental studies and prediction algorithms are not available or were not evaluated, and the functional significance of this variant is currently unknown. ClinVar contains an entry for this variant (Variation ID: 988028). Disruption of the initiator codon has been observed in individual(s) with adenine phosphoribosyltransferase deficiency (PMID: 7912608, 20150536, 21304254, 28717278). This variant is present in population databases (no rsID available, gnomAD 0.004%). This sequence change affects the initiator methionine of the APRT mRNA. The next in-frame methionine is located at codon 136. For these reasons, this variant has been classified as Pathogenic.

APRT Deficiency Research Program of the Rare Kidney Stone Consortium, Landspitali, National University Hospital of Iceland
Classification: Pathogenic for Adenine phosphoribosyltransferase deficiency. Last evaluated: 2020-09-01. Review status: no assertion criteria provided. Collection method: literature only. Allele origin: germline. Affected: yes. Not counted in ClinVar's aggregate classification.

Literature cited by the submitters: PubMed 7912608 (cited by Labcorp Genetics (formerly Invitae), Labcorp); PubMed 20150536 (cited by Labcorp Genetics (formerly Invitae), Labcorp); PubMed 21304254 (cited by Labcorp Genetics (formerly Invitae), Labcorp); PubMed 28717278 (cited by Labcorp Genetics (formerly Invitae), Labcorp); DOI 10.1036/ommbid.136 (cited by APRT Deficiency Research Program of the Rare Kidney Stone Consortium, Landspitali, National University Hospital of Iceland).

NM_000485.3(APRT):c.1A>G (p.Met1Val)

Genes: APRT (adenine phosphoribosyltransferase; minus strand), LOC130059760 (ATAC-STARR-seq lymphoblastoid silent region 7879; plus strand). Cytogenetic location: 16q24.3.
Variant type: single nucleotide variant.
Coding change: c.1A>G on transcript NM_000485.3 (MANE Select); coding-DNA position 1, A replaced by G.
Protein change: p.Met1Val; changes the start codon (methionine 1).
Molecular consequence: missense variant, initiator codon variant.
Genome position (GRCh38, 1-based): chr16:88,811,899, T>C on the plus strand (A>G on the coding strand, the complement: APRT is on the minus strand). VCF-style: chr16-88811899-T-C. GRCh37 (hg19) VCF-style: chr16-88878307-T-C.
Other names: c.1A>G, p.Met1Val (NM_001030018.2); short protein forms M1V.
Identifiers: ClinVar variation 988028 (VCV000988028.12), dbSNP rs930107496, ClinGen allele CA286428296.
Genomic context (GRCh38, chr16:88,811,899, plus strand): 5'-TGGGGAAGTCGGGGAAGCTGCGGATCCGCTGCTCAACCAGCTGCAGCTCGGAGTCGGCCA[T>C]GGCCGCGTGCGAAGAGCCAGCGGCAGCCCGAGCGCGCCTGCGCGGGGACGGGCGGGACCG-3'
Protein context (NP_000476.1, residues 1-11): [Met1Val]ADSELQLVEQ